The following is an entry in ClinVar:

NM_000089.4(COL1A2):c.3482G>A (p.Arg1161His)

Gene: COL1A2 (collagen type I alpha 2 chain; plus strand). Cytogenetic location: 7q21.3.
Variant type: single nucleotide variant.
Coding change: c.3482G>A on transcript NM_000089.4 (MANE Select); coding-DNA position 3482, G replaced by A.
Protein change: p.Arg1161His; replaces arginine 1161 with histidine.
Molecular consequence: missense variant.
Genome position (GRCh38, 1-based): chr7:94,427,841, G>A. VCF-style: chr7-94427841-G-A. GRCh37 (hg19) VCF-style: chr7-94057153-G-A.
Other names: short protein forms R1161H.
Identifiers: ClinVar variation 4792859 (VCV004792859.2).

ClinVar aggregate classification (germline): Uncertain significance. Review status: criteria provided, multiple submitters, no conflicts (2 of 4 stars). 2 submissions from 2 submitters: Uncertain significance (2). Last evaluated 2025-12-13.

Conditions:
Osteogenesis imperfecta type I (OI1). Also called: OI, TYPE I; OSTEOGENESIS IMPERFECTA TARDA; OSTEOGENESIS IMPERFECTA WITH BLUE SCLERAE; Osteogenesis imperfecta type 1; Lobstein's Disease; Lobstein disease. Identifiers: Orphanet 216796, Orphanet 666, MedGen C0023931, MONDO:0008146, OMIM 166200. Disease mechanism: loss of function.
Ehlers-Danlos syndrome, classic type, 1 (EDSCL1). Also called: EHLERS-DANLOS SYNDROME, GRAVIS TYPE; EHLERS-DANLOS SYNDROME, SEVERE CLASSIC TYPE; Ehlers-Danlos syndrome, type 1; EDS I; Ehlers-Danlos Syndrome, Classic Type, COL5A1-Related. Identifiers: MedGen C0268335, MONDO:0019567, OMIM 130000.

gnomAD v4.1: 53 of 1,613,996 alleles (0.0033%); highest among the groups gnomAD compares: Middle Eastern, 0.51%; 1 homozygote.

Submissions (2):

Labcorp Genetics (formerly Invitae), Labcorp
Classification: Uncertain significance for Osteogenesis imperfecta type I; Ehlers-Danlos syndrome, classic type, 1. Last evaluated: 2025-12-13. Review status: criteria provided, single submitter. Criteria: Invitae Variant Classification Sherloc (09022015). Collection method: clinical testing. Allele origin: germline.
Comment: This sequence change replaces arginine, which is basic and polar, with histidine, which is basic and polar, at codon 1161 of the COL1A2 protein (p.Arg1161His). This variant is present in population databases (rs542912072, gnomAD 0.006%). This variant has not been reported in the literature in individuals affected with COL1A2-related conditions. Invitae Evidence Modeling of protein sequence and biophysical properties (such as structural, functional, and spatial information, amino acid conservation, physicochemical variation, residue mobility, and thermodynamic stability) indicates that this missense variant is expected to disrupt COL1A2 protein function with a positive predictive value of 80%. In summary, the available evidence is currently insufficient to determine the role of this variant in disease. Therefore, it has been classified as a Variant of Uncertain Significance.

Blueprint Genetics
Classification: Uncertain significance. Last evaluated: 2019-04-02. Review status: criteria provided, single submitter. Criteria: ACMG Guidelines, 2015. Collection method: clinical testing. Allele origin: germline.